The following is an entry in ClinVar:

ClinVar aggregate classification (germline): Likely benign. Review status: criteria provided, multiple submitters, no conflicts (2 of 4 stars). 2 submissions from 2 submitters: Likely benign (2). Last evaluated 2023-12-01.

Conditions:
Inborn genetic diseases. Identifiers: MedGen C0950123, MeSH D030342.

gnomAD v4.1: 49 of 1,613,790 alleles (0.003%); highest among the groups gnomAD compares: South Asian, 0.0077%; no homozygotes.

Submissions (2):

CeGaT Center for Human Genetics Tuebingen
Classification: Likely benign. Last evaluated: 2023-12-01. Review status: criteria provided, single submitter. Criteria: CeGaT Center For Human Genetics Tuebingen Variant Classification Criteria Version 2. Collection method: clinical testing. Allele origin: germline. Affected: yes. Observed: 1 variant allele.
Comment: RAD51: BP4, BP7

Ambry Genetics
Classification: Likely benign for Inborn genetic diseases. Last evaluated: 2022-02-16. Review status: criteria provided, single submitter. Criteria: Ambry Variant Classification Scheme 2023. Collection method: clinical testing. Allele origin: germline.

NM_002875.5(RAD51):c.831G>A (p.Ala277=)

Gene: RAD51 (RAD51 recombinase; plus strand). Cytogenetic location: 15q15.1.
Variant type: single nucleotide variant.
Coding change: c.831G>A on transcript NM_002875.5 (MANE Select); coding-DNA position 831, G replaced by A.
Protein change: p.Ala277=; no amino-acid change (alanine 277 retained).
Molecular consequence: synonymous variant. On other transcripts: intron variant (1).
Genome position (GRCh38, 1-based): chr15:40,729,909, G>A. VCF-style: chr15-40729909-G-A. GRCh37 (hg19) VCF-style: chr15-41022107-G-A.
Other names: c.834G>A, p.Ala278= (NM_001164269.2, NM_133487.4); c.774+275G>A (NM_001164270.2).
Identifiers: ClinVar variation 1762919 (VCV001762919.24), dbSNP rs752022051, ClinGen allele CA7484127.